The following is an entry in ClinVar:

ClinVar aggregate classification (germline): Uncertain significance. Review status: reviewed by expert panel (3 of 4 stars). 6 submissions from 6 submitters: Uncertain significance (1). 5 of the submissions do not count toward it. Last evaluated 2024-10-29.

Conditions:
RUNX1-related disorder. Also called: RUNX1-related condition.
Inborn genetic diseases. Identifiers: MedGen C0950123, MeSH D030342.
Hereditary thrombocytopenia and hematologic cancer predisposition syndrome. Identifiers: Orphanet 71290, MedGen CN281654, MONDO:0011071.
Acute myeloid leukemia (AML). Also called: Acute myeloid leukemia, adult; AML adult; Acute non-lymphocytic leukemia; Acute granulocytic leukemia; Leukemia, acute myeloid, somatic; Leukemia, acute myelogenous, somatic. Identifiers: Orphanet 519, MedGen C0023467, MeSH D015470, MONDO:0018874, OMIM 601626, HP:0004808. Disease mechanism: Constitutively activated FLT3.
Hereditary thrombocytopenia and hematological cancer predisposition syndrome associated with RUNX1. Also called: Familial Platelet Disorder with Propensity to Acute Myelogenous Leukemia; Familial thrombocytopenia with propensity to acute myelogenous leukemia; RUNX1 Familial Platelet Disorder with Associated Myeloid Malignancies; PLATELET DISORDER, ASPIRIN-LIKE. Identifiers: Orphanet 71290, MedGen C1832388, MeSH C563324, MONDO:0100083, OMIM 601399.

Allele frequency attached by ClinVar (database versions not stated): gnomAD exomes below 0.00001; gnomAD 0.00001; TOPMed 0.00001.
gnomAD v4.1: 5 of 1,606,352 alleles (0.00031%); highest among the groups gnomAD compares: Non-Finnish European, 0.00042%; no homozygotes.

Submissions (6):

ClinGen Myeloid Malignancy Variant Curation Expert Panel
Classification: Uncertain significance for Hereditary thrombocytopenia and hematologic cancer predisposition syndrome. Last evaluated: 2024-10-29. Review status: reviewed by expert panel. Criteria: ClinGen MyeloMalig ACMG Specifications v2. Collection method: curation. Allele origin: germline. Inheritance: Autosomal dominant inheritance.
Comment: NM_001754.5(RUNX1):c.1039A>G (p.Met347Val) is a missense variant which has a REVEL score < 0.50 (0.332) and a SpliceAI score ≤ 0.20 (0.0) (BP4). This variant is completely absent from all population databases with at least 20x coverage for RUNX1 (PM2_Supporting). In summary, the clinical significance of this variant is uncertain. ACMG/AMP criteria applied, as specified by the Myeloid Malignancy Variant Curation Expert Panel for RUNX1: BP4, PM2_supporting.

Ambry Genetics
Classification: Uncertain significance for Inborn genetic diseases. Last evaluated: 2026-06-24. Review status: criteria provided, single submitter. Criteria: Ambry Variant Classification Scheme 2023. Collection method: clinical testing. Allele origin: germline. Not counted in ClinVar's aggregate classification.

St. Jude Molecular Pathology, St. Jude Children's Research Hospital
Classification: Uncertain significance for Hereditary thrombocytopenia and hematological cancer predisposition syndrome associated with RUNX1. Last evaluated: 2026-02-20. Review status: criteria provided, single submitter. Criteria: St. Jude Assertion Criteria 2020. Collection method: clinical testing. Allele origin: germline. Not counted in ClinVar's aggregate classification.
Comment: The RUNX1 c.1039A>G p.(Met347Val) missense change is absent in gnomAD v2.1.1 (. org). The in silico tool REVEL predicts a benign effect on protein function, but to our knowledge this prediction has not been confirmed by functional studies. To our knowledge, this variant has not been reported in individuals with familial platelet dis order with associated myeloid malignancy. In summary, the evidence currently available is insufficient to determine the clinical significance of this variant. It has therefore been classified as of uncertain significance.

Labcorp Genetics (formerly Invitae), Labcorp
Classification: Uncertain significance for Hereditary thrombocytopenia and hematological cancer predisposition syndrome associated with RUNX1. Last evaluated: 2025-02-10. Review status: criteria provided, single submitter. Criteria: Invitae Variant Classification Sherloc (09022015). Collection method: clinical testing. Allele origin: germline. Not counted in ClinVar's aggregate classification.
Comment: This sequence change replaces methionine, which is neutral and non-polar, with valine, which is neutral and non-polar, at codon 347 of the RUNX1 protein (p.Met347Val). This variant is not present in population databases (gnomAD no frequency). This variant has not been reported in the literature in individuals affected with RUNX1-related conditions. ClinVar contains an entry for this variant (Variation ID: 657868). Invitae Evidence Modeling of protein sequence and biophysical properties (such as structural, functional, and spatial information, amino acid conservation, physicochemical variation, residue mobility, and thermodynamic stability) has been performed for this missense variant. However, the output from this modeling did not meet the statistical confidence thresholds required to predict the impact of this variant on RUNX1 protein function. In summary, the available evidence is currently insufficient to determine the role of this variant in disease. Therefore, it has been classified as a Variant of Uncertain Significance.

Baylor Genetics
Classification: Uncertain significance for Acute myeloid leukemia. Last evaluated: 2024-03-27. Review status: criteria provided, single submitter. Criteria: ACMG Guidelines, 2015. Collection method: clinical testing. Allele origin: unknown. Not counted in ClinVar's aggregate classification.

PreventionGenetics, part of Exact Sciences
Classification: Uncertain significance for RUNX1-related condition. Last evaluated: 2024-08-26. Review status: no assertion criteria provided. Collection method: clinical testing. Allele origin: germline. Not counted in ClinVar's aggregate classification.
Comment: The RUNX1 c.1039A>G variant is predicted to result in the amino acid substitution p.Met347Val. To our knowledge, this variant has not been reported in the literature or in a large population database, indicating this variant is rare. Of note, another variant impacting the same amino acid, c.1041G>A (p.Met347Ile), has been reported with uncertain significance an individual with pediatric B-ALL (Li et al. 2021. PubMed ID: 34166225). However, at this time, the clinical significance of the c.1039A>G (p.Met347Val) variant is uncertain due to the absence of conclusive functional and genetic evidence.

NM_001754.5(RUNX1):c.1039A>G (p.Met347Val)

Gene: RUNX1 (RUNX family transcription factor 1; minus strand). Cytogenetic location: 21q22.12.
Variant type: single nucleotide variant.
Coding change: c.1039A>G on transcript NM_001754.5 (MANE Select); coding-DNA position 1039, A replaced by G.
Protein change: p.Met347Val; replaces methionine 347 with valine.
Molecular consequence: missense variant.
Genome position (GRCh38, 1-based): chr21:34,792,539, T>C on the plus strand (A>G on the coding strand, the complement: RUNX1 is on the minus strand). VCF-style: chr21-34792539-T-C. GRCh37 (hg19) VCF-style: chr21-36164836-T-C.
Other names: NM_001754.5(RUNX1):c.1039A>G; p.Met347Val; c.958A>G, p.Met320Val (NM_001001890.3); short protein forms M347V, M320V.
Identifiers: ClinVar variation 657868 (VCV000657868.14), dbSNP rs1601333587, ClinGen allele CA410148443.